The following is an entry in ClinVar:

NM_018344.6(SLC29A3):c.260G>A (p.Ser87Asn)

Gene: SLC29A3 (solute carrier family 29 member 3; plus strand). Cytogenetic location: 10q22.1.
Variant type: single nucleotide variant.
Coding change: c.260G>A on transcript NM_018344.6 (MANE Select); coding-DNA position 260, G replaced by A.
Protein change: p.Ser87Asn; replaces serine 87 with asparagine.
Molecular consequence: missense variant. On other transcripts: non-coding transcript variant (2).
Genome position (GRCh38, 1-based): chr10:71,323,014, G>A. VCF-style: chr10-71323014-G-A. GRCh37 (hg19) VCF-style: chr10-73082771-G-A.
Other names: c.260G>A, p.Ser87Asn (NM_001174098.2); c.26G>A, p.Ser9Asn (NM_001363518.2); short protein forms S9N, S87N.
Identifiers: ClinVar variation 2155646 (VCV002155646.3), dbSNP rs2492357272, ClinGen allele CA377129418.

ClinVar aggregate classification (germline): Uncertain significance (1 of 4 stars; one submission).

Conditions:
H syndrome. Also called: HISTIOCYTOSIS AND LYMPHADENOPATHY WITH OR WITHOUT CUTANEOUS, CARDIAC, AND/OR ENDOCRINE FEATURES, JOINT CONTRACTURES, AND/OR DEAFNESS; HYPERPIGMENTATION, CUTANEOUS, WITH HYPERTRICHOSIS, HEPATOSPLENOMEGALY, HEART ANOMALIES, AND HYPOGONADISM WITH OR WITHOUT HEARING LOSS; SINUS HISTIOCYTOSIS AND MASSIVE LYMPHADENOPATHY; Hyperpigmentation, Cutaneous, with Hypertrichosis, Hepatosplenomegaly, Heart Anomalies, Hearing Loss, and Hypogonadism; Histiocytosis-lymphadenopathy plus syndrome; Asrar Facharzt Haque syndrome. Identifiers: Orphanet 168569, MedGen C1864445, MONDO:0011273, OMIM 602782.

gnomAD v4.1: 6 of 1,613,906 alleles (0.00037%); no homozygotes.

Submission:

Labcorp Genetics (formerly Invitae), Labcorp
Classification: Uncertain significance for H syndrome. Last evaluated: 2024-12-16. Review status: criteria provided, single submitter. Criteria: Invitae Variant Classification Sherloc (09022015). Collection method: clinical testing. Allele origin: germline.
Comment: This sequence change replaces serine, which is neutral and polar, with asparagine, which is neutral and polar, at codon 87 of the SLC29A3 protein (p.Ser87Asn). This variant is not present in population databases (gnomAD no frequency). This variant has not been reported in the literature in individuals affected with SLC29A3-related conditions. ClinVar contains an entry for this variant (Variation ID: 2155646). Invitae Evidence Modeling of protein sequence and biophysical properties (such as structural, functional, and spatial information, amino acid conservation, physicochemical variation, residue mobility, and thermodynamic stability) indicates that this missense variant is not expected to disrupt SLC29A3 protein function with a negative predictive value of 95%. In summary, the available evidence is currently insufficient to determine the role of this variant in disease. Therefore, it has been classified as a Variant of Uncertain Significance.